The following is an entry in ClinVar:

ClinVar aggregate classification (germline): Likely benign. Review status: reviewed by expert panel (3 of 4 stars). 7 submissions from 7 submitters: Likely benign (1). 6 of the submissions do not count toward it. Last evaluated 2017-06-29.

Conditions:
Hereditary cancer-predisposing syndrome. Also called: Hereditary neoplastic syndrome; Hereditary Cancer Syndrome; Neoplastic Syndromes, Hereditary; Tumor predisposition. Identifiers: Orphanet 140162, MedGen C0027672, MeSH D009386, MONDO:0015356.
Breast-ovarian cancer, familial, susceptibility to, 2 (BROVCA2). Also called: BRCA2 Hereditary Breast and Ovarian Cancer. Identifiers: Orphanet 145, MedGen C2675520, MONDO:0012933, OMIM 612555. Disease mechanism: loss of function.
Hereditary breast ovarian cancer syndrome. Also called: Hereditary breast and ovarian cancer syndrome; BRCA1- and BRCA2-Associated Hereditary Breast and Ovarian Cancer; Hereditary breast and/or ovarian cancer syndrome; Hereditary breast and ovarian cancer; Breast and ovarian cancer; Hereditary breast and ovarian cancer syndrome (HBOC). Identifiers: Orphanet 145, MedGen C0677776, MeSH D061325, MONDO:0003582. Disease mechanism: loss of function.

Allele frequency attached by ClinVar (database versions not stated): gnomAD 0.00001; TOPMed 0.00001.
gnomAD v4.1: 1 of 1,613,924 alleles (0.000062%); highest among the groups gnomAD compares: African/African-American, 0.0013%; no homozygotes.

Submissions (7):

Evidence-based Network for the Interpretation of Germline Mutant Alleles (ENIGMA)
Classification: Likely benign for Breast-ovarian cancer, familial, susceptibility to, 2. Last evaluated: 2017-06-29. Review status: reviewed by expert panel. Criteria: ENIGMA BRCA1/2 Classification Criteria (2017-06-29). Collection method: curation. Allele origin: germline.
Comment: Synonymous substitution variant, with low bioinformatic likelihood to result in a splicing aberration (Splicing prior probability 0.02).

Labcorp Genetics (formerly Invitae), Labcorp
Classification: Likely benign for Hereditary breast ovarian cancer syndrome. Last evaluated: 2025-10-14. Review status: criteria provided, single submitter. Criteria: Invitae Variant Classification Sherloc (09022015). Collection method: clinical testing. Allele origin: germline. Not counted in ClinVar's aggregate classification.

Women's Health and Genetics/Laboratory Corporation of America, LabCorp
Classification: Likely benign. Last evaluated: 2024-06-07. Review status: criteria provided, single submitter. Criteria: LabCorp Variant Classification Summary - May 2015. Collection method: clinical testing. Allele origin: germline. Not counted in ClinVar's aggregate classification.

All of Us Research Program, National Institutes of Health
Classification: Likely benign for Breast-ovarian cancer, familial, susceptibility to, 2. Last evaluated: 2023-10-06. Review status: criteria provided, single submitter. Criteria: ACMG Guidelines, 2015. Collection method: clinical testing. Allele origin: germline. Inheritance: Autosomal dominant inheritance. Observed: 1 variant allele, 1 heterozygote. Not counted in ClinVar's aggregate classification.
Comment: This study involves interpretation of variants in research participants for the purpose of population health screening. Participant phenotype was not available at the time of variant classification. Additional details can be found in publication PMID: 35346344, PMCID: PMC8962531

Ambry Genetics
Classification: Likely benign for Hereditary cancer-predisposing syndrome. Last evaluated: 2021-08-30. Review status: criteria provided, single submitter. Criteria: Ambry Variant Classification Scheme 2023. Collection method: clinical testing. Allele origin: germline. Not counted in ClinVar's aggregate classification.

GeneDx
Classification: Likely benign. Last evaluated: 2021-04-19. Review status: criteria provided, single submitter. Criteria: GeneDx Variant Classification Process June 2021. Collection method: clinical testing. Allele origin: germline. Affected: yes. Not counted in ClinVar's aggregate classification.

Color Diagnostics, LLC DBA Color Health
Classification: Likely benign for Hereditary cancer-predisposing syndrome. Last evaluated: 2019-12-05. Review status: criteria provided, single submitter. Criteria: ACMG Guidelines, 2015. Collection method: clinical testing. Allele origin: germline. Not counted in ClinVar's aggregate classification.

NM_000059.4(BRCA2):c.195A>G (p.Pro65=)

Gene: BRCA2 (BRCA2 DNA repair associated; plus strand). Cytogenetic location: 13q13.1.
Variant type: single nucleotide variant.
Coding change: c.195A>G on transcript NM_000059.4 (MANE Select); coding-DNA position 195, A replaced by G.
Protein change: p.Pro65=; no amino-acid change (proline 65 retained).
Molecular consequence: synonymous variant.
Genome position (GRCh38, 1-based): chr13:32,319,204, A>G. VCF-style: chr13-32319204-A-G. GRCh37 (hg19) VCF-style: chr13-32893341-A-G.
Identifiers: ClinVar variation 427413 (VCV000427413.22), dbSNP rs1131692135, ClinGen allele CA483435961.